The following is an entry in ClinVar:

ClinVar aggregate classification (germline): Pathogenic. Review status: criteria provided, single submitter (1 of 4 stars). 2 submissions from 2 submitters: Pathogenic (1). 1 of the submissions does not count toward it. Last evaluated 2018-07-11.

Conditions:
Pyruvate dehydrogenase E1-alpha deficiency (PDHAD). Also called: ATAXIA, INTERMITTENT, WITH PYRUVATE DEHYDROGENASE DEFICIENCY; ATAXIA WITH LACTIC ACIDOSIS I; ATAXIA, INTERMITTENT, WITH ABNORMAL PYRUVATE METABOLISM; Ataxia, intermittent, with pyruvate dehydrogenase, or decarboxylase, deficiency. Identifiers: Orphanet 79243, MedGen C1839413, MONDO:0010717, OMIM 312170.

Submissions (2):

Labcorp Genetics (formerly Invitae), Labcorp
Classification: Pathogenic for Pyruvate dehydrogenase E1-alpha deficiency. Last evaluated: 2018-07-11. Review status: criteria provided, single submitter. Criteria: Invitae Variant Classification Sherloc (09022015). Collection method: clinical testing. Allele origin: germline.
Comment: For these reasons, this variant has been classified as Pathogenic. A different truncation (p.Glu358Glyfs*12) that lies downstream of this variant has been determined to be pathogenic (PMID: 1907799). This suggests that deletion of this region of the PDHA1 protein is causative of disease. Experimental studies and prediction algorithms are not available for this variant, and the functional significance of the deleted amino acids is currently unknown. This variant has not been reported in the literature in individuals with PDHA1-related disease. This variant is not present in population databases (ExAC no frequency). This sequence change results in a premature translational stop signal in the PDHA1 gene (p.Ser331Argfs*15). While this is not anticipated to result in nonsense mediated decay, it is expected to disrupt the last 60 amino acids of the PDHA1 protein.

PDHA1 Study Group, University Children’s Hospital, Paracelsus Medical University
Classification: Pathogenic for Pyruvate dehydrogenase E1-alpha deficiency. Last evaluated: 2024-10-15. Review status: no assertion criteria provided. Collection method: research. Allele origin: germline. Affected: yes. Observed: 1 variant allele. Not counted in ClinVar's aggregate classification.
Comment: The NM_000284.3:c.934_992dup (p.Ser331ArgfsTer15) change is a frameshift variant in PDHA1 gene. This variant is predicted to escape nonsense-mediated decay (NMD). Last literature search: July 12, 2024. This variant is absent or extremely rare in population-based cohorts in the Genome Aggregation Database (gnomAD). Individuals harboring this variant presented with clinical features compatible with PDHA1-related PDHc deficiency. In summary, this variant meets criteria to be classified as pathogenic (P) for PDHA1-related PDHc deficiency based on the ACMG/AMP criteria applied: PVS1, PM2 (last assessment October 15, 2024).

Literature cited by the submitters: PubMed 1907799 (cited by Labcorp Genetics (formerly Invitae), Labcorp); DOI 10.1093/brain/awaf430 (cited by PDHA1 Study Group, University Children’s Hospital, Paracelsus Medical University).

NM_000284.4(PDHA1):c.934_992dup (p.Ser331delinsArgValArgValThrLeuLeuCysPheSerArgThrGlyTrpTer)

Gene: PDHA1 (pyruvate dehydrogenase E1 subunit alpha 1; plus strand). Cytogenetic location: Xp22.12.
Variant type: Duplication.
Coding change: c.934_992dup on transcript NM_000284.4 (MANE Select); coding-DNA positions 934 to 992, 59 bases duplicated.
Protein change: p.Ser331delinsArgValArgValThrLeuLeuCysPheSerArgThrGlyTrpTer.
Molecular consequence: nonsense.
Genome position (GRCh38, 1-based): chrX:19,358,950-19,359,008, 59 bases duplicated. GRCh37 (hg19): chrX:19,377,068-19,377,126.
Other names: c.1048_1106dup, p.Ser369delinsArgValArgValThrLeuLeuCysPheSerArgThrGlyTrpTer (NM_001173454.2); c.955_1013dup, p.Ser338delinsArgValArgValThrLeuLeuCysPheSerArgThrGlyTrpTer (NM_001173455.2); c.841_899dup, p.Ser300delinsArgValArgValThrLeuLeuCysPheSerArgThrGlyTrpTer (NM_001173456.2).
Identifiers: ClinVar variation 640193 (VCV000640193.9), dbSNP rs1602231539, ClinGen allele CA915950757.